The following is an entry in ClinVar:

ClinVar aggregate classification (germline): Uncertain significance (1 of 4 stars; one submission).

Conditions:
Inborn genetic diseases. Identifiers: MedGen C0950123, MeSH D030342.

Submission:

Ambry Genetics
Classification: Uncertain significance for Inborn genetic diseases. Last evaluated: 2025-11-23. Review status: criteria provided, single submitter. Criteria: Ambry Variant Classification Scheme 2023. Collection method: clinical testing. Allele origin: germline.
Comment: The p.Q1201E variant (also known as c.3601C>G), located in coding exon 36 of the FANCA gene, results from a C to G substitution at nucleotide position 3601. The glutamine at codon 1201 is replaced by glutamic acid, an amino acid with highly similar properties. This amino acid position is conserved. In addition, this alteration is predicted to be tolerated by in silico analysis. Based on the available evidence, the clinical significance of this variant remains unclear.

NM_000135.4(FANCA):c.3601C>G (p.Gln1201Glu)

Gene: FANCA (FA complementation group A; minus strand). Cytogenetic location: 16q24.3.
Variant type: single nucleotide variant.
Coding change: c.3601C>G on transcript NM_000135.4 (MANE Select); coding-DNA position 3601, C replaced by G.
Protein change: p.Gln1201Glu; replaces glutamine 1201 with glutamic acid.
Molecular consequence: missense variant.
Genome position (GRCh38, 1-based): chr16:89,744,984, G>C on the plus strand (C>G on the coding strand, the complement: FANCA is on the minus strand). VCF-style: chr16-89744984-G-C. GRCh37 (hg19) VCF-style: chr16-89811392-G-C.
Other names: c.3601C>G, p.Gln1201Glu (NM_001286167.3); short protein forms Q1201E.
Identifiers: ClinVar variation 4619288 (VCV004619288.1).
Genomic context (GRCh38, chr16:89,744,984, plus strand): 5'-GGGCGGGCACACCCCATCTCACCACCCACACGTACTCGCTGGCAAACTGCCGGCCTTCTT[G>C]TAGCTTCTGCAGTTCCCGGGGCAGCGGGCTCTGGCAGTGTCTCCTCCACCGGCAGAGCAG-3'
Protein context (NP_000126.2, residues 1191-1211): SPLPRELQKL[Gln1201Glu]EGRQFASDFL